The following is an entry in ClinVar:

NM_001711.6(BGN):c.295AAC[1] (p.Asn100del)

Gene: BGN (biglycan; plus strand). Cytogenetic location: Xq28.
Variant type: Microsatellite.
Coding change: c.295AAC[1] on transcript NM_001711.6 (MANE Select); one copy of the 3-base unit AAC starting at c.295; the reference has two copies in a row; one copy, 3 bases deleted.
Protein change: p.Asn100del; deletes asparagine 100.
Genome position (GRCh38, 1-based): chrX:153,505,297-153,505,299, AAC deleted; deleting any 3 consecutive bases within chrX:153,505,294-153,505,299 gives the same sequence; the position shown is the placement nearest the transcript's 3' end. VCF-style (leftmost placement, unchanged base first): chrX-153505293-GAAC-G. GRCh37 (hg19) VCF-style: chrX-152770751-GAAC-G.
Other names: short protein forms N100del.
Identifiers: ClinVar variation 3722539 (VCV003722539.2).
Genomic context (GRCh38, chrX:153,505,293, plus strand): 5'-CCTAGGTCTGAAGTCTGTGCCCAAAGAGATCTCCCCTGACACCACGCTGCTGGACCTGCA[GAAC>G]AACGACATCTCCGAGCTCCGCAAGGATGACTTCAAGGGTCTCCAGCACCTCTACGTAAGG-3'

ClinVar aggregate classification (germline): Uncertain significance (1 of 4 stars; one submission).

Submission:

Labcorp Genetics (formerly Invitae), Labcorp
Classification: Uncertain significance. Last evaluated: 2024-11-19. Review status: criteria provided, single submitter. Criteria: Invitae Variant Classification Sherloc (09022015). Collection method: clinical testing. Allele origin: germline.
Comment: This variant, c.298_300del, results in the deletion of 1 amino acid(s) of the BGN protein (p.Asn100del), but otherwise preserves the integrity of the reading frame. This variant is present in population databases (no rsID available, gnomAD 0.004%). This variant has not been reported in the literature in individuals affected with BGN-related conditions. Experimental studies and prediction algorithms are not available or were not evaluated, and the functional significance of this variant is currently unknown. In summary, the available evidence is currently insufficient to determine the role of this variant in disease. Therefore, it has been classified as a Variant of Uncertain Significance.